The following is an entry in ClinVar:

NM_021969.3(NR0B2):c.739G>A (p.Ala247Thr)

Genes: NR0B2 (nuclear receptor subfamily 0 group B member 2; minus strand), NUDC (nuclear distribution C, dynein complex regulator; plus strand). Cytogenetic location: 1p36.11.
Variant type: single nucleotide variant.
Coding change: c.739G>A on transcript NM_021969.3 (MANE Select); coding-DNA position 739, G replaced by A.
Protein change: p.Ala247Thr; replaces alanine 247 with threonine.
Molecular consequence: missense variant.
Genome position (GRCh38, 1-based): chr1:26,911,880, C>T on the plus strand (G>A on the coding strand, the complement: NR0B2 is on the minus strand). VCF-style: chr1-26911880-C-T. GRCh37 (hg19) VCF-style: chr1-27238371-C-T.
Other names: short protein forms A247T.
Identifiers: ClinVar variation 2629490 (VCV002629490.2), dbSNP rs766840093, ClinGen allele CA709546.
Genomic context (GRCh38, chr1:26,911,880, plus strand): 5'-TGATCTCTGCCTGGGCTGGAACAGGTCACCTGAGCAAAAGCATGTCCCCAAGAAGGCCAG[C>T]GATGTCAACATCTCCAATGATAGGGCGAAAGAAGAGGTCCCCAAGCAGGCTGGTCGGAAT-3'
Protein context (NP_068804.1, residues 237-257): FRPIIGDVDI[Ala247Thr]GLLGDMLLLR

ClinVar aggregate classification (germline): Uncertain significance (0 of 4 stars; one submission).

Conditions:
NR0B2-related disorder. Also called: NR0B2-related condition.

Allele frequency attached by ClinVar (database versions not stated): ExAC 0.00001.
gnomAD v4.1: 19 of 1,614,164 alleles (0.0012%); highest among the groups gnomAD compares: Admixed American, 0.0017%; no homozygotes.

Submission:

PreventionGenetics, part of Exact Sciences
Classification: Uncertain significance for NR0B2-related condition. Last evaluated: 2024-09-15. Review status: no assertion criteria provided. Collection method: clinical testing. Allele origin: germline.
Comment: The NR0B2 c.739G>A variant is predicted to result in the amino acid substitution p.Ala247Thr. To our knowledge, this variant has not been reported in the literature. This variant is reported in 0.0029% of alleles in individuals of Latino descent in gnomAD. At this time, the clinical significance of this variant is uncertain due to the absence of conclusive functional and genetic evidence.